The following is an entry in ClinVar:

NM_024818.6(UBA5):c.799C>T (p.Gln267Ter)

Genes: NPHP3-ACAD11 (NPHP3-ACAD11 readthrough (NMD candidate); minus strand), UBA5 (ubiquitin like modifier activating enzyme 5; plus strand). Cytogenetic location: 3q22.1.
Variant type: single nucleotide variant.
Coding change: c.799C>T on transcript NM_024818.6 (MANE Select); coding-DNA position 799, C replaced by T.
Protein change: p.Gln267Ter; replaces glutamine 267 with a stop codon.
Molecular consequence: nonsense.
Genome position (GRCh38, 1-based): chr3:132,672,164, C>T. VCF-style: chr3-132672164-C-T. GRCh37 (hg19) VCF-style: chr3-132391008-C-T.
Other names: c.631C>T, p.Gln211Ter (NM_001320210.2, NM_198329.4); c.529C>T, p.Gln177Ter (NM_001321238.2); c.463C>T, p.Gln155Ter (NM_001321239.1); short protein forms Q155*, Q177*, Q211*, Q267*.
Identifiers: ClinVar variation 1197851 (VCV001197851.7), dbSNP rs762779162, ClinGen allele CA2621453.

ClinVar aggregate classification (germline): Pathogenic/Likely pathogenic. Review status: criteria provided, multiple submitters, no conflicts (2 of 4 stars). 3 submissions from 3 submitters: Pathogenic (1); Likely pathogenic (2). Last evaluated 2024-10-30.

Conditions:
Developmental and epileptic encephalopathy, 44 (DEE44). Also called: Epileptic encephalopathy, early infantile, 44. Identifiers: MedGen C4310700, MONDO:0014933, OMIM 617132.
Spinocerebellar ataxia, autosomal recessive 24 (SCAR24). Identifiers: MedGen C4310699, MONDO:0014934, OMIM 617133.

Allele frequency attached by ClinVar (database versions not stated): gnomAD exomes below 0.00001; ExAC 0.00001.
gnomAD v4.1: 1 of 1,613,662 alleles (0.000062%); highest among the groups gnomAD compares: Non-Finnish European, 0.000085%; no homozygotes.

Submissions (3):

Labcorp Genetics (formerly Invitae), Labcorp
Classification: Pathogenic. Last evaluated: 2024-10-30. Review status: criteria provided, single submitter. Criteria: Invitae Variant Classification Sherloc (09022015). Collection method: clinical testing. Allele origin: germline.
Comment: This sequence change creates a premature translational stop signal (p.Gln267*) in the UBA5 gene. It is expected to result in an absent or disrupted protein product. Loss-of-function variants in UBA5 are known to be pathogenic (PMID: 27545674, 27545681). This variant is present in population databases (rs762779162, gnomAD 0.0009%). This variant has not been reported in the literature in individuals affected with UBA5-related conditions. ClinVar contains an entry for this variant (Variation ID: 1197851). For these reasons, this variant has been classified as Pathogenic.

Fulgent Genetics
Classification: Likely pathogenic for Developmental and epileptic encephalopathy, 44; Spinocerebellar ataxia, autosomal recessive 24. Last evaluated: 2024-06-18. Review status: criteria provided, single submitter. Criteria: ACMG Guidelines, 2015. Collection method: clinical testing. Allele origin: germline.

GeneDx
Classification: Likely pathogenic. Last evaluated: 2024-05-29. Review status: criteria provided, single submitter. Criteria: GeneDx Variant Classification Process June 2021. Collection method: clinical testing. Allele origin: germline. Affected: yes.
Comment: Nonsense variant predicted to result in protein truncation or nonsense mediated decay in a gene for which loss of function is a known mechanism of disease; Not observed at significant frequency in large population cohorts (gnomAD); Has not been previously published as pathogenic or benign to our knowledge

Literature cited by the submitters: PubMed 27545674 (cited by Labcorp Genetics (formerly Invitae), Labcorp); PubMed 27545681 (cited by Labcorp Genetics (formerly Invitae), Labcorp).